The following is an entry in ClinVar:

ClinVar aggregate classification (germline): Likely benign (0 of 4 stars; one submission).

Conditions:
GNAS-related disorder. Identifiers: MedGen CN380105.

Allele frequency attached by ClinVar (database versions not stated): gnomAD 0.00002; gnomAD exomes 0.00002; TOPMed 0.00002.
gnomAD v4.1: 14 of 1,613,140 alleles (0.00087%); highest among the groups gnomAD compares: Admixed American, 0.023%; no homozygotes.

Submission:

PreventionGenetics, part of Exact Sciences
Classification: Likely benign for GNAS-related condition. Last evaluated: 2020-05-18. Review status: no assertion criteria provided. Collection method: clinical testing. Allele origin: germline.
Comment: This variant is classified as likely benign based on ACMG/AMP sequence variant interpretation guidelines (Richards et al. 2015 PMID: 25741868, with internal and published modifications).

NM_080425.4(GNAS):c.1803A>C (p.Arg601=)

Gene: GNAS (GNAS complex locus; plus strand). Cytogenetic location: 20q13.32.
Variant type: single nucleotide variant.
Coding change: c.1803A>C on transcript NM_080425.4 (MANE Plus Clinical); coding-DNA position 1803, A replaced by C.
Protein change: p.Arg601=; no amino-acid change (arginine 601 retained).
Molecular consequence: synonymous variant. On other transcripts: missense variant (2), intron variant (3).
Genome position (GRCh38, 1-based): chr20:58,855,068, A>C. VCF-style: chr20-58855068-A-C. GRCh37 (hg19) VCF-style: chr20-57430123-A-C.
Other names: c.1616A>C, p.Glu539Ala (NM_001077490.3, NM_001309883.1); c.1803A>C, p.Arg601= (NM_001410913.1); c.*42+14182A>C (NM_016592.5); c.43+14182A>C (NM_001410912.1); c.-39+13193A>C (NM_001309861.2); short protein forms E539A.
Identifiers: ClinVar variation 3035842 (VCV003035842.2), dbSNP rs1241550595, ClinGen allele CA409462931.
Genomic context (GRCh38, chr20:58,855,068, plus strand): 5'-CGACGATGGGACCTCCGGATGCCTCCGCTGGTTTCAGCATCGGCGAAATCGCCGCCGCCG[A>C]AAGCCCCAGCGCAACTTACTCCGCAACTTTCTCGTGCAAGCCTTCGGGGGCTGCTTCGGT-3'
Protein context (NP_536350.2, residues 591-611): WFQHRRNRRR[Arg601=]KPQRNLLRNF